The following is an entry in ClinVar:

NM_030958.3(SLCO5A1):c.1637T>C (p.Met546Thr)

Gene: SLCO5A1 (solute carrier organic anion transporter family member 5A1; minus strand). Cytogenetic location: 8q13.3.
Variant type: single nucleotide variant.
Coding change: c.1637T>C on transcript NM_030958.3 (MANE Select); coding-DNA position 1637, T replaced by C.
Protein change: p.Met546Thr; replaces methionine 546 with threonine.
Molecular consequence: missense variant.
Genome position (GRCh38, 1-based): chr8:69,682,329, A>G on the plus strand (T>C on the coding strand, the complement: SLCO5A1 is on the minus strand). VCF-style: chr8-69682329-A-G. GRCh37 (hg19) VCF-style: chr8-70594564-A-G.
Other names: c.1637T>C, p.Met546Thr (NM_001146008.2); c.1472T>C, p.Met491Thr (NM_001146009.1); c.1637T>C (NM_030958.2); short protein forms M546T, M491T.
Identifiers: ClinVar variation 2802157 (VCV002802157.4), dbSNP rs753806628, ClinGen allele CA178311033.

ClinVar aggregate classification (germline): Uncertain significance. Review status: criteria provided, multiple submitters, no conflicts (2 of 4 stars). 2 submissions from 2 submitters: Uncertain significance (2). Last evaluated 2024-03-28.

Allele frequency attached by ClinVar (database versions not stated): gnomAD exomes below 0.00001.
gnomAD v4.1: 1 of 1,604,432 alleles (0.000062%); highest among the groups gnomAD compares: East Asian, 0.0023%; no homozygotes.

Submissions (2):

Ambry Genetics
Classification: Uncertain significance. Last evaluated: 2024-03-28. Review status: criteria provided, single submitter. Criteria: Ambry Variant Classification Scheme 2023. Collection method: clinical testing. Allele origin: germline.

Labcorp Genetics (formerly Invitae), Labcorp
Classification: Uncertain significance. Last evaluated: 2023-11-10. Review status: criteria provided, single submitter. Criteria: Invitae Variant Classification Sherloc (09022015). Collection method: clinical testing. Allele origin: germline.
Comment: This sequence change replaces methionine, which is neutral and non-polar, with threonine, which is neutral and polar, at codon 546 of the SLCO5A1 protein (p.Met546Thr). This variant is not present in population databases (gnomAD no frequency). This variant has not been reported in the literature in individuals affected with SLCO5A1-related conditions. An algorithm developed to predict the effect of missense changes on protein structure and function (PolyPhen-2) suggests that this variant is likely to be tolerated. In summary, the available evidence is currently insufficient to determine the role of this variant in disease. Therefore, it has been classified as a Variant of Uncertain Significance.